The following is an entry in ClinVar:

NM_172364.5(CACNA2D4):c.2219G>A (p.Trp740Ter)

Gene: CACNA2D4 (calcium voltage-gated channel auxiliary subunit alpha2delta 4; minus strand). Cytogenetic location: 12p13.33.
Variant type: single nucleotide variant.
Coding change: c.2219G>A on transcript NM_172364.5 (MANE Select); coding-DNA position 2219, G replaced by A.
Protein change: p.Trp740Ter; replaces tryptophan 740 with a stop codon.
Molecular consequence: nonsense.
Genome position (GRCh38, 1-based): chr12:1,853,978, C>T on the plus strand (G>A on the coding strand, the complement: CACNA2D4 is on the minus strand). VCF-style: chr12-1853978-C-T. GRCh37 (hg19) VCF-style: chr12-1963144-C-T.
Other names: short protein forms W740*.
Identifiers: ClinVar variation 1061791 (VCV001061791.7), dbSNP rs2154448290, ClinGen allele CA383361098.

ClinVar aggregate classification (germline): Uncertain significance (1 of 4 stars; one submission).

Submission:

Labcorp Genetics (formerly Invitae), Labcorp
Classification: Uncertain significance. Last evaluated: 2022-06-27. Review status: criteria provided, single submitter. Criteria: Invitae Variant Classification Sherloc (09022015). Collection method: clinical testing. Allele origin: germline.
Comment: This sequence change creates a premature translational stop signal (p.Trp740*) in the CACNA2D4 gene. It is expected to result in an absent or disrupted protein product. However, the current clinical and genetic evidence is not sufficient to establish whether loss-of-function variants in CACNA2D4 cause disease. This variant is not present in population databases (gnomAD no frequency). This variant has not been reported in the literature in individuals affected with CACNA2D4-related conditions. ClinVar contains an entry for this variant (Variation ID: 1061791). Algorithms developed to predict the effect of sequence changes on RNA splicing suggest that this variant may disrupt the consensus splice site. In summary, the available evidence is currently insufficient to determine the role of this variant in disease. Therefore, it has been classified as a Variant of Uncertain Significance.